The following is an entry in ClinVar:

ClinVar aggregate classification (germline): Uncertain significance (1 of 4 stars; one submission).

Conditions:
Hereditary sensory and autonomic neuropathy type 6. Also called: Neuropathy, hereditary sensory and autonomic, type VI; HSAN VI. Identifiers: Orphanet 314381, MedGen C3539003, MONDO:0013839, OMIM 614653.
Epidermolysis bullosa simplex 3, localized or generalized intermediate, with BP230 deficiency (EBS3). Also called: Epidermolysis bullosa simplex due to BP230 deficiency; Epidermolysis bullosa simplex, autosomal recessive 2. Identifiers: Orphanet 412181, MedGen C3809470, MONDO:0014180, OMIM 615425.

Allele frequency attached by ClinVar (database versions not stated): ExAC 0.00001; gnomAD 0.00001; gnomAD exomes 0.00002 and 0.00003.
gnomAD v4.1: 17 of 1,613,990 alleles (0.0011%); highest among the groups gnomAD compares: South Asian, 0.019%; 1 homozygote.

Submission:

Labcorp Genetics (formerly Invitae), Labcorp
Classification: Uncertain significance for Epidermolysis bullosa simplex 3, localized or generalized intermediate, with BP230 deficiency; Hereditary sensory and autonomic neuropathy type 6. Last evaluated: 2021-03-07. Review status: criteria provided, single submitter. Criteria: Invitae Variant Classification Sherloc (09022015). Collection method: clinical testing. Allele origin: germline.
Comment: This sequence change replaces aspartic acid with asparagine at codon 1619 of the DST protein (p.Asp1619Asn). The aspartic acid residue is weakly conserved and there is a small physicochemical difference between aspartic acid and asparagine. This variant is present in population databases (rs776778859, ExAC no frequency). This variant has not been reported in the literature in individuals with DST-related conditions. Algorithms developed to predict the effect of missense changes on protein structure and function are either unavailable or do not agree on the potential impact of this missense change (SIFT: "Tolerated"; PolyPhen-2: "Probably Damaging"; Align-GVGD: "Class C0"). In summary, the available evidence is currently insufficient to determine the role of this variant in disease. Therefore, it has been classified as a Variant of Uncertain Significance.

NM_001723.7(DST):c.4855G>A (p.Asp1619Asn)

Gene: DST (dystonin; minus strand). Cytogenetic location: 6p12.1.
Variant type: single nucleotide variant.
Coding change: c.4855G>A on transcript NM_001723.7 (MANE Plus Clinical); coding-DNA position 4855, G replaced by A.
Protein change: p.Asp1619Asn; replaces aspartic acid 1619 with asparagine.
Molecular consequence: missense variant. On other transcripts: intron variant (10).
Genome position (GRCh38, 1-based): chr6:56,619,179, C>T on the plus strand (G>A on the coding strand, the complement: DST is on the minus strand). VCF-style: chr6-56619179-C-T. GRCh37 (hg19) VCF-style: chr6-56483977-C-T.
Other names: c.4831-4695G>A (NM_001144769.5); c.4930-4695G>A (NM_001374722.1, NM_001374736.1); c.4957-4695G>A (NM_001374734.1); c.4417-4695G>A (NM_001144770.2); c.4297-4695G>A (NM_001374730.1, NM_001386100.1, NM_183380.4 and 1 more transcripts); c.3319-4695G>A (NM_015548.5); short protein forms D1619N.
Identifiers: ClinVar variation 1426071 (VCV001426071.8), dbSNP rs776778859, ClinGen allele CA3870467.